The following is an entry in ClinVar:

NM_001184.4(ATR):c.4607T>C (p.Val1536Ala)

Gene: ATR (ATR serine/threonine kinase; minus strand). Cytogenetic location: 3q23.
Variant type: single nucleotide variant.
Coding change: c.4607T>C on transcript NM_001184.4 (MANE Select); coding-DNA position 4607, T replaced by C.
Protein change: p.Val1536Ala; replaces valine 1536 with alanine.
Molecular consequence: missense variant.
Genome position (GRCh38, 1-based): chr3:142,513,535, A>G on the plus strand (T>C on the coding strand, the complement: ATR is on the minus strand). VCF-style: chr3-142513535-A-G. GRCh37 (hg19) VCF-style: chr3-142232377-A-G.
Other names: c.4415T>C, p.Val1472Ala (NM_001354579.2); short protein forms V1472A, V1536A.
Identifiers: ClinVar variation 3331836 (VCV003331836.1).

ClinVar aggregate classification (germline): Uncertain significance (1 of 4 stars; one submission).

Conditions:
Inborn genetic diseases. Identifiers: MedGen C0950123, MeSH D030342.

gnomAD v4.1: 3 of 1,613,586 alleles (0.00019%); highest among the groups gnomAD compares: East Asian, 0.0022%; no homozygotes.

Submission:

Ambry Genetics
Classification: Uncertain significance for Inborn genetic diseases. Last evaluated: 2024-05-05. Review status: criteria provided, single submitter. Criteria: Ambry Variant Classification Scheme 2023. Collection method: clinical testing. Allele origin: germline.
Comment: The p.V1536A variant (also known as c.4607T>C), located in coding exon 26 of the ATR gene, results from a T to C substitution at nucleotide position 4607. The valine at codon 1536 is replaced by alanine, an amino acid with similar properties. This amino acid position is conserved. In addition, this alteration is predicted to be tolerated by in silico analysis. Based on the available evidence, the clinical significance of this variant remains unclear.